The following is an entry in ClinVar:

ClinVar aggregate classification (germline): Conflicting classifications of pathogenicity. Review status: criteria provided, conflicting classifications (1 of 4 stars). 9 submissions from 9 submitters: Uncertain significance (6); Likely benign (1). 2 of the submissions do not count toward it. Last evaluated 2025-12-16.

Conditions:
Hereditary breast ovarian cancer syndrome. Also called: Breast and ovarian cancer; Hereditary breast and ovarian cancer; Hereditary breast and ovarian cancer syndrome; BRCA1- and BRCA2-Associated Hereditary Breast and Ovarian Cancer; Hereditary breast and ovarian cancer syndrome (HBOC); Hereditary breast and/or ovarian cancer syndrome. Identifiers: Orphanet 145, MedGen C0677776, MeSH D061325, MONDO:0003582. Disease mechanism: loss of function.
Hereditary cancer-predisposing syndrome. Also called: Tumor predisposition; Hereditary Cancer Syndrome; Neoplastic Syndromes, Hereditary; Hereditary neoplastic syndrome. Identifiers: Orphanet 140162, MedGen C0027672, MeSH D009386, MONDO:0015356.
BRCA2-related cancer predisposition. Identifiers: MedGen CN377758, MONDO:0700269.
Breast-ovarian cancer, familial, susceptibility to, 2 (BROVCA2). Also called: BRCA2 Hereditary Breast and Ovarian Cancer. Identifiers: Orphanet 145, MedGen C2675520, MONDO:0012933, OMIM 612555. Disease mechanism: loss of function.

Allele frequency attached by ClinVar (database versions not stated): gnomAD exomes below 0.00001 and 0.00001; ExAC 0.00001; TOPMed 0.00001.
gnomAD v4.1: 7 of 1,612,640 alleles (0.00043%); highest among the groups gnomAD compares: Non-Finnish European, 0.00059%; no homozygotes.

Submissions (9):

Color Diagnostics, LLC DBA Color Health
Classification: Uncertain significance for Hereditary cancer-predisposing syndrome. Last evaluated: 2025-12-16. Review status: criteria provided, single submitter. Criteria: ACMG Guidelines, 2015. Collection method: clinical testing. Allele origin: germline.
Comment: This missense variant replaces aspartic acid with asparagine at codon 237 of the BRCA2 protein. Computational prediction suggests that this variant may not impact protein structure and function. To our knowledge, functional studies have not been reported for this variant. Multifactorial analysis reached a combined likelihood ratio (LR) of 0.116 based on breast cancer case-control data and the personal and family history for 1 carrier (PMID: 31853058, 40413188). This variant has been identified in 7/1612640 chromosomes in the general population by the Genome Aggregation Database (gnomAD). Although there is a suspicion that this variant may not be associated with disease, additional studies are necessary to determine the role of this variant in disease conclusively. Therefore, this variant is classified as a Variant of Uncertain Significance.

Labcorp Genetics (formerly Invitae), Labcorp
Classification: Uncertain significance for Hereditary breast ovarian cancer syndrome. Last evaluated: 2024-12-15. Review status: criteria provided, single submitter. Criteria: Invitae Variant Classification Sherloc (09022015). Collection method: clinical testing. Allele origin: germline.
Comment: This sequence change replaces aspartic acid, which is acidic and polar, with asparagine, which is neutral and polar, at codon 237 of the BRCA2 protein (p.Asp237Asn). This variant is present in population databases (rs398122575, gnomAD 0.0009%). This variant has not been reported in the literature in individuals affected with BRCA2-related conditions. ClinVar contains an entry for this variant (Variation ID: 91470). Invitae Evidence Modeling of protein sequence and biophysical properties (such as structural, functional, and spatial information, amino acid conservation, physicochemical variation, residue mobility, and thermodynamic stability) indicates that this missense variant is not expected to disrupt BRCA2 protein function with a negative predictive value of 95%. In summary, the available evidence is currently insufficient to determine the role of this variant in disease. Therefore, it has been classified as a Variant of Uncertain Significance.

Ambry Genetics
Classification: Likely benign for Hereditary cancer-predisposing syndrome. Last evaluated: 2024-10-29. Review status: criteria provided, single submitter. Criteria: Ambry Variant Classification Scheme 2023. Collection method: clinical testing. Allele origin: germline.

All of Us Research Program, National Institutes of Health
Classification: Uncertain significance for BRCA2-related cancer predisposition. Last evaluated: 2024-09-11. Review status: criteria provided, single submitter. Criteria: ACMG Guidelines, 2015. Collection method: clinical testing. Allele origin: germline. Inheritance: Autosomal dominant inheritance. Observed: 2 variant alleles, 2 heterozygotes.
Comment: This missense variant replaces aspartic acid with asparagine at codon 237 of the BRCA2 protein. Computational prediction suggests that this variant may not impact protein structure and function (internally defined REVEL score threshold <= 0.5, PMID: 27666373). To our knowledge, functional studies have not been reported for this variant. This variant has not been reported in individuals affected with BRCA2-related disorders in the literature. This variant has been identified in 1/250352 chromosomes in the general population by the Genome Aggregation Database (gnomAD). The available evidence is insufficient to determine the role of this variant in disease conclusively. Therefore, this variant is classified as a Variant of Uncertain Significance.

This study involves interpretation of variants in research participants for the purpose of population health screening. Participant phenotype was not available at the time of variant classification. Additional details can be found in publication PMID: 35346344, PMCID: PMC8962531

GeneDx
Classification: Uncertain significance. Last evaluated: 2023-07-19. Review status: criteria provided, single submitter. Criteria: GeneDx Variant Classification Process June 2021. Collection method: clinical testing. Allele origin: germline. Affected: yes.
Comment: Identified in individual(s) referred for hereditary cancer testing (Li et al., 2020); Not observed at significant frequency in large population cohorts (gnomAD); In silico analysis supports that this missense variant does not alter protein structure/function; Also known as 937G>A; This variant is associated with the following publications: (PMID: 26295337, 32377563, 29884841, 31853058)

Mendelics
Classification: Uncertain significance for Breast-ovarian cancer, familial, susceptibility to, 2. Last evaluated: 2019-05-28. Review status: criteria provided, single submitter. Criteria: Mendelics Assertion Criteria 2017. Collection method: clinical testing. Allele origin: unknown.

Quest Diagnostics Nichols Institute San Juan Capistrano
Classification: Uncertain significance for Breast-ovarian cancer, familial, susceptibility to, 2. Last evaluated: 2016-06-08. Review status: criteria provided, single submitter. Criteria: Quest Diagnostics criteria. Collection method: clinical testing. Allele origin: germline. Inheritance: Autosomal dominant inheritance.

Counsyl
Classification: Uncertain significance for Breast-ovarian cancer, familial, susceptibility to, 2. Last evaluated: 2016-10-31. Review status: no assertion criteria provided. Collection method: clinical testing. Allele origin: unknown. Not counted in ClinVar's aggregate classification.

Sharing Clinical Reports Project (SCRP)
Classification: Uncertain significance for Breast-ovarian cancer, familial 2. Last evaluated: 2009-03-17. Review status: no assertion criteria provided. Collection method: clinical testing. Allele origin: germline. Not counted in ClinVar's aggregate classification.

Literature cited by the submitters: PubMed 31853058 (cited by Color Diagnostics, LLC DBA Color Health); PubMed 40413188 (cited by Color Diagnostics, LLC DBA Color Health); PubMed 26295337 (cited by Quest Diagnostics Nichols Institute San Juan Capistrano).

NM_000059.4(BRCA2):c.709G>A (p.Asp237Asn)

Gene: BRCA2 (BRCA2 DNA repair associated; plus strand). Cytogenetic location: 13q13.1.
Variant type: single nucleotide variant.
Coding change: c.709G>A on transcript NM_000059.4 (MANE Select); coding-DNA position 709, G replaced by A.
Protein change: p.Asp237Asn; replaces aspartic acid 237 with asparagine.
Molecular consequence: missense variant.
Genome position (GRCh38, 1-based): chr13:32,330,946, G>A. VCF-style: chr13-32330946-G-A. GRCh37 (hg19) VCF-style: chr13-32905083-G-A.
Other names: short protein forms D237N.
Identifiers: ClinVar variation 91470 (VCV000091470.28), dbSNP rs398122575, ClinGen allele CA024869.
Genomic context (GRCh38, chr13:32,330,946, plus strand): 5'-TATACTAGTGATTTTAAACTATAATTTTTGCAGAATGTGAAAAGCTATTTTTCCAATCAT[G>A]ATGAAAGTCTGAAGAAAAATGATAGATTTATCGCTTCTGTGACAGACAGTGAAAACACAA-3'
Protein context (NP_000050.3, residues 227-247): ANVKSYFSNH[Asp237Asn]ESLKKNDRFI